The following is an entry in ClinVar:

NM_004064.5(CDKN1B):c.164_165delinsTA (p.Ala55Val)

Gene: CDKN1B (cyclin dependent kinase inhibitor 1B; plus strand). Cytogenetic location: 12p13.1.
Variant type: Indel.
Coding change: c.164_165delinsTA on transcript NM_004064.5 (MANE Select); coding-DNA positions 164 to 165, CG replaced by TA.
Protein change: p.Ala55Val; replaces alanine 55 with valine.
Molecular consequence: missense variant.
Genome position (GRCh38, 1-based): chr12:12,718,003-12,718,004, CG replaced by TA. VCF-style: chr12-12718003-CG-TA. GRCh37 (hg19) VCF-style: chr12-12870937-CG-TA.
Other names: short protein forms A55V.
Identifiers: ClinVar variation 2749108 (VCV002749108.3), dbSNP rs2497404376, ClinGen allele CA2697559110.

ClinVar aggregate classification (germline): Uncertain significance (1 of 4 stars; one submission).

Conditions:
Multiple endocrine neoplasia type 4. Also called: MULTIPLE ENDOCRINE NEOPLASIA, TYPE IV. Identifiers: Orphanet 276152, MedGen C1970712, MONDO:0012552, OMIM 610755.

Submission:

Labcorp Genetics (formerly Invitae), Labcorp
Classification: Uncertain significance for Multiple endocrine neoplasia type 4. Last evaluated: 2023-05-30. Review status: criteria provided, single submitter. Criteria: Invitae Variant Classification Sherloc (09022015). Collection method: clinical testing. Allele origin: germline.
Comment: This sequence change replaces alanine, which is neutral and non-polar, with valine, which is neutral and non-polar, at codon 55 of the CDKN1B protein (p.Ala55Val). Information on the frequency of this variant in the gnomAD database is not available, as this variant may be reported differently in the database. This variant has not been reported in the literature in individuals affected with CDKN1B-related conditions. An algorithm developed to predict the effect of missense changes on protein structure and function (PolyPhen-2) suggests that this variant is likely to be disruptive. In summary, the available evidence is currently insufficient to determine the role of this variant in disease. Therefore, it has been classified as a Variant of Uncertain Significance.